The following is an entry in ClinVar:

NM_005157.6(ABL1):c.1695G>C (p.Glu565Asp)

Gene: ABL1 (ABL proto-oncogene 1, non-receptor tyrosine kinase; plus strand). Cytogenetic location: 9q34.12.
Variant type: single nucleotide variant.
Coding change: c.1695G>C on transcript NM_005157.6 (MANE Select); coding-DNA position 1695, G replaced by C.
Protein change: p.Glu565Asp; replaces glutamic acid 565 with aspartic acid.
Molecular consequence: missense variant.
Genome position (GRCh38, 1-based): chr9:130,883,985, G>C. VCF-style: chr9-130883985-G-C. GRCh37 (hg19) VCF-style: chr9-133759372-G-C.
Other names: c.1752G>C, p.Glu584Asp (NM_007313.3); short protein forms E565D, E584D.
Identifiers: ClinVar variation 4990963 (VCV004990963.1).

ClinVar aggregate classification (germline): Uncertain significance (1 of 4 stars; one submission).

Conditions:
ABL1-related disorder. Also called: ABL1-related condition.

gnomAD v4.1: 1 of 1,612,554 alleles (0.000062%); highest among the groups gnomAD compares: East Asian, 0.0022%; no homozygotes.

Submission:

PreventionGenetics, part of Exact Sciences
Classification: Uncertain significance for ABL1-related condition. Last evaluated: 2026-08-26. Review status: criteria provided, single submitter. Criteria: ACMG Guidelines, 2015. Collection method: clinical testing. Allele origin: germline.
Comment: The ABL1 c.1752G>C variant is predicted to result in the amino acid substitution p.Glu584Asp. To our knowledge, this variant has not been reported in the literature. This variant is reported in 0.016% of alleles in individuals of East Asian descent in gnomAD. At this time, the clinical significance of this variant is uncertain due to the absence of conclusive functional and genetic evidence.